The following is an entry in ClinVar:

NM_001032283.3(TMPO):c.565+1699G>T

Gene: TMPO (thymopoietin; plus strand). Cytogenetic location: 12q23.1.
Variant type: single nucleotide variant.
Coding change: c.565+1699G>T on transcript NM_001032283.3 (MANE Select); 1699 bases into the intron after coding-DNA position 565, G replaced by T.
Molecular consequence: intron variant. On other transcripts: missense variant (1).
Genome position (GRCh38, 1-based): chr12:98,533,537, G>T. VCF-style: chr12-98533537-G-T. GRCh37 (hg19) VCF-style: chr12-98927315-G-T.
Other names: c.1280G>T, p.Arg427Ile (NM_003276.2); c.565+1699G>T (NM_001307975.2, NM_001032284.3); short protein forms R427I.
Identifiers: ClinVar variation 3808579 (VCV003808579.1).

ClinVar aggregate classification (germline): Uncertain significance (1 of 4 stars; one submission).

Submission:

Ambry Genetics
Classification: Uncertain significance. Last evaluated: 2025-02-09. Review status: criteria provided, single submitter. Criteria: Ambry Variant Classification Scheme 2023. Collection method: clinical testing. Allele origin: germline.
Comment: The p.R427I variant (also known as c.1280G>T), located in coding exon 4 of the TMPO gene, results from a G to T substitution at nucleotide position 1280. The arginine at codon 427 is replaced by isoleucine, an amino acid with similar properties. This amino acid position is conserved. In addition, this alteration is predicted to be tolerated by in silico analysis. Based on the available evidence, the clinical significance of this variant remains unclear.